The following is an entry in ClinVar:

NM_014271.4(IL1RAPL1):c.164T>C (p.Leu55Pro)

Gene: IL1RAPL1 (interleukin 1 receptor accessory protein like 1; plus strand). Cytogenetic location: Xp21.3.
Variant type: single nucleotide variant.
Coding change: c.164T>C on transcript NM_014271.4 (MANE Select); coding-DNA position 164, T replaced by C.
Protein change: p.Leu55Pro; replaces leucine 55 with proline.
Molecular consequence: missense variant.
Genome position (GRCh38, 1-based): chrX:29,283,019, T>C. VCF-style: chrX-29283019-T-C. GRCh37 (hg19) VCF-style: chrX-29301136-T-C.
Other names: short protein forms L55P.
Identifiers: ClinVar variation 4532186 (VCV004532186.1).
Genomic context (GRCh38, chrX:29,283,019, plus strand): 5'-CTATCGATATCAAGAAATATCAAGTTTTGGTGGGAGAGCCTGTTCGAATCAAATGTGCAC[T>C]CTTTTATGGTTATATCAGAACAAATTACTCCCTTGCCCAAAGTGCTGGACTCAGTTTGAT-3'
Protein context (NP_055086.1, residues 45-65): VGEPVRIKCA[Leu55Pro]FYGYIRTNYS

ClinVar aggregate classification (germline): Uncertain significance (1 of 4 stars; one submission).

Conditions:
Intellectual developmental disorder, X-linked 21. Also called: MENTAL RETARDATION, X-LINKED 34; Mental retardation, X-linked 21/34; Intellectual disability, X-linked 21. Identifiers: Orphanet 777, MedGen C5551510, MONDO:0010256, OMIM 300143.

Submission:

Victorian Clinical Genetics Services, Murdoch Childrens Research Institute
Classification: Uncertain significance for Intellectual developmental disorder, X-linked 21. Last evaluated: 2025-01-29. Review status: criteria provided, single submitter. Criteria: ACMG Guidelines, 2015. Collection method: clinical testing. Allele origin: germline. Affected: yes.
Comment: This variant is classified as VUS-3A. Evidence in support of pathogenic classification: Variant is absent from gnomAD (v2, v3 and v4); Missense variant predicted to be damaging by in silico tool(s) or highly conserved with a major amino acid change. Additional information: Variant is predicted to result in a missense amino acid change from leucine to proline; This variant is hemizygous; This gene is associated with X-linked recessive disease; This variant has no previous evidence of pathogenicity; No published segregation evidence has been identified for this variant; No published functional evidence has been identified for this variant; No comparable missense variants have previous evidence for pathogenicity; Variant is located in the annotated Ig1_IL1RAPL-1_like domain (NCBI); Loss of function is a known mechanism of disease in this gene and is associated with intellectual developmental disorder, X-linked 21 (MIM#300143); Parental origin of the variant is unresolved.